The following is an entry in ClinVar:

NM_003242.6(TGFBR2):c.1597T>C (p.Cys533Arg)

Gene: TGFBR2 (transforming growth factor beta receptor 2; plus strand). Cytogenetic location: 3p24.1.
Variant type: single nucleotide variant.
Coding change: c.1597T>C on transcript NM_003242.6 (MANE Select); coding-DNA position 1597, T replaced by C.
Protein change: p.Cys533Arg; replaces cysteine 533 with arginine.
Molecular consequence: missense variant.
Genome position (GRCh38, 1-based): chr3:30,691,492, T>C. VCF-style: chr3-30691492-T-C. GRCh37 (hg19) VCF-style: chr3-30732984-T-C.
Other names: c.1672T>C, p.Cys558Arg (NM_001024847.3); c.1780T>C, p.Cys594Arg (NM_001407126.1); c.1705T>C, p.Cys569Arg (NM_001407127.1); c.1624T>C, p.Cys542Arg (NM_001407128.1); c.1600T>C, p.Cys534Arg (NM_001407129.1); c.1594T>C, p.Cys532Arg (NM_001407130.1); c.1492T>C, p.Cys498Arg (NM_001407132.1, NM_001407133.1, NM_001407134.1 and 2 more transcripts); c.1312T>C, p.Cys438Arg (NM_001407137.1); and 2 more; short protein forms C532R, C558R, C542R, C569R, C243R, C498R, C533R, C534R.
Identifiers: ClinVar variation 2203324 (VCV002203324.4), dbSNP rs2125455385, ClinGen allele CA351809632.

ClinVar aggregate classification (germline): Likely pathogenic (1 of 4 stars; one submission).

Conditions:
Familial thoracic aortic aneurysm and aortic dissection (TAAD). Also called: Thoracic aortic aneurysms and dissections. Identifiers: Orphanet 91387, MedGen C4707243, MONDO:0019625.

Submission:

Labcorp Genetics (formerly Invitae), Labcorp
Classification: Likely pathogenic for Familial thoracic aortic aneurysm and aortic dissection. Last evaluated: 2022-01-06. Review status: criteria provided, single submitter. Criteria: Invitae Variant Classification Sherloc (09022015). Collection method: clinical testing. Allele origin: germline.
Comment: This variant disrupts the p.Cys533 amino acid residue in TGFBR2. Other variant(s) that disrupt this residue have been observed in individuals with TGFBR2-related conditions (PMID: 16928994), which suggests that this may be a clinically significant amino acid residue. In summary, the currently available evidence indicates that the variant is pathogenic, but additional data are needed to prove that conclusively. Therefore, this variant has been classified as Likely Pathogenic. Advanced modeling of protein sequence and biophysical properties (such as structural, functional, and spatial information, amino acid conservation, physicochemical variation, residue mobility, and thermodynamic stability) performed at Invitae indicates that this missense variant is expected to disrupt TGFBR2 protein function. This missense change has been observed in individuals with Loeys-Dietz syndrome (PMID: 16928994, 22563345). This variant is not present in population databases (gnomAD no frequency). This sequence change replaces cysteine, which is neutral and slightly polar, with arginine, which is basic and polar, at codon 533 of the TGFBR2 protein (p.Cys533Arg).

Literature cited by the submitters: PubMed 16928994; PubMed 22563345.